The following is an entry in ClinVar:

NM_005592.4(MUSK):c.920+5G>C

Gene: MUSK (muscle associated receptor tyrosine kinase; plus strand). Cytogenetic location: 9q31.3.
Variant type: single nucleotide variant.
Coding change: c.920+5G>C on transcript NM_005592.4 (MANE Select); 5 bases into the intron after coding-DNA position 920, G replaced by C.
Molecular consequence: intron variant.
Genome position (GRCh38, 1-based): chr9:110,762,213, G>C. VCF-style: chr9-110762213-G-C. GRCh37 (hg19) VCF-style: chr9-113524493-G-C.
Other names: c.950+5G>C (NM_001166280.2); c.920+5G>C (NM_001166281.2); c.-317+5G>C (NM_001369398.1).
Identifiers: ClinVar variation 2016919 (VCV002016919.4), dbSNP rs2491015420, ClinGen allele CA2580079410.

ClinVar aggregate classification (germline): Uncertain significance (1 of 4 stars; one submission).

Conditions:
Congenital myasthenic syndrome 9. Also called: Myasthenic syndrome, congenital, 9, associated with acetylcholine receptor deficiency. Identifiers: Orphanet 590, MedGen C4225368, MONDO:0014587, OMIM 616325.
Fetal akinesia deformation sequence 1 (FADS1). Also called: Pena-Shokeir syndrome type I; Fetal akinesia sequence. Identifiers: Orphanet 994, MedGen C1276035, MONDO:0100101, OMIM 208150, HP:0001989.

gnomAD v4.1: 1 of 1,434,966 alleles (0.00007%); highest among the groups gnomAD compares: Non-Finnish European, 0.000092%; no homozygotes.

Submission:

Labcorp Genetics (formerly Invitae), Labcorp
Classification: Uncertain significance for Congenital myasthenic syndrome 9; Fetal akinesia deformation sequence 1. Last evaluated: 2022-07-14. Review status: criteria provided, single submitter. Criteria: Invitae Variant Classification Sherloc (09022015). Collection method: clinical testing. Allele origin: germline.
Comment: This variant has not been reported in the literature in individuals affected with MUSK-related conditions. This variant is not present in population databases (gnomAD no frequency). In summary, the available evidence is currently insufficient to determine the role of this variant in disease. Therefore, it has been classified as a Variant of Uncertain Significance. Variants that disrupt the consensus splice site are a relatively common cause of aberrant splicing (PMID: 17576681, 9536098). Algorithms developed to predict the effect of sequence changes on RNA splicing suggest that this variant may disrupt the consensus splice site. This sequence change falls in intron 8 of the MUSK gene. It does not directly change the encoded amino acid sequence of the MUSK protein. It affects a nucleotide within the consensus splice site.

Literature cited by the submitters: PubMed 17576681; PubMed 9536098.